The following is an entry in ClinVar:

ClinVar aggregate classification (germline): Likely benign (1 of 4 stars; one submission).

Conditions:
Autosomal recessive nonsyndromic hearing loss 67. Identifiers: Orphanet 90636, MedGen C1853223, MONDO:0012460, OMIM 610265.

Allele frequency attached by ClinVar (database versions not stated): gnomAD 0.00094 and 0.00161; gnomAD exomes 0.00746; 1000 Genomes Project 0.02835.
gnomAD v4.1: 118 of 71,348 alleles (0.17%); highest among the groups gnomAD compares: South Asian, 2.7%; 2 homozygotes.

Submission:

Illumina Laboratory Services, Illumina
Classification: Likely benign for Autosomal recessive nonsyndromic hearing loss 67. Last evaluated: 2018-01-13. Review status: criteria provided, single submitter. Criteria: ICSL Variant Classification Criteria 13 December 2019. Collection method: clinical testing. Allele origin: germline.
Comment: This variant was observed in the ICSL laboratory as part of a predisposition screen in an ostensibly healthy population. It had not been previously curated by ICSL or reported in the Human Gene Mutation Database (HGMD: prior to June 1st, 2018), and was therefore a candidate for classification through an automated scoring system. Utilizing variant allele frequency, disease prevalence and penetrance estimates, and inheritance mode, an automated score was calculated to assess if this variant is too frequent to cause the disease. Based on the score and internal cut-off values, a variant classified as likely benign is not then subjected to further curation. The score for this variant resulted in a classification of likely benign for this disease.

NM_182548.4(LHFPL5):c.*485C>T

Gene: LHFPL5 (LHFPL tetraspan subfamily member 5; plus strand). Cytogenetic location: 6p21.31.
Variant type: single nucleotide variant.
Coding change: c.*485C>T on transcript NM_182548.4 (MANE Select); 485 bases downstream of the stop codon, C replaced by T.
Molecular consequence: 3 prime UTR variant.
Genome position (GRCh38, 1-based): chr6:35,823,450, C>T. VCF-style: chr6-35823450-C-T. GRCh37 (hg19) VCF-style: chr6-35791227-C-T.
Identifiers: ClinVar variation 356525 (VCV000356525.5), dbSNP rs534224847, ClinGen allele CA10626715.